The following is an entry in ClinVar:

NM_005502.4(ABCA1):c.5311A>C (p.Thr1771Pro)

Gene: ABCA1 (ATP binding cassette subfamily A member 1; minus strand). Cytogenetic location: 9q31.1.
Variant type: single nucleotide variant.
Coding change: c.5311A>C on transcript NM_005502.4 (MANE Select); coding-DNA position 5311, A replaced by C.
Protein change: p.Thr1771Pro; replaces threonine 1771 with proline.
Molecular consequence: missense variant.
Genome position (GRCh38, 1-based): chr9:104,796,124, T>G on the plus strand (A>C on the coding strand, the complement: ABCA1 is on the minus strand). VCF-style: chr9-104796124-T-G. GRCh37 (hg19) VCF-style: chr9-107558405-T-G.
Other names: short protein forms T1771P.
Identifiers: ClinVar variation 4827615 (VCV004827615.1).

ClinVar aggregate classification (germline): Uncertain significance (1 of 4 stars; one submission).

Conditions:
Cardiovascular phenotype. Identifiers: MedGen CN230736.

Submission:

Ambry Genetics
Classification: Uncertain significance for Cardiovascular phenotype. Last evaluated: 2026-03-12. Review status: criteria provided, single submitter. Criteria: Ambry Variant Classification Scheme 2023. Collection method: clinical testing. Allele origin: germline.
Comment: The p.T1771P variant (also known as c.5311A>C), located in coding exon 38 of the ABCA1 gene, results from an A to C substitution at nucleotide position 5311. The threonine at codon 1771 is replaced by proline, an amino acid with highly similar properties. This amino acid position is conserved. In addition, this alteration is predicted to be deleterious by in silico analysis. Based on the available evidence, the clinical significance of this variant remains unclear.